The following is an entry in ClinVar:

ClinVar aggregate classification (germline): Uncertain significance (1 of 4 stars; one submission).

Conditions:
Hereditary cancer-predisposing syndrome. Also called: Neoplastic Syndromes, Hereditary; Tumor predisposition; Hereditary neoplastic syndrome; Hereditary Cancer Syndrome. Identifiers: Orphanet 140162, MedGen C0027672, MeSH D009386, MONDO:0015356.

Submission:

Ambry Genetics
Classification: Uncertain significance for Hereditary cancer-predisposing syndrome. Last evaluated: 2024-01-09. Review status: criteria provided, single submitter. Criteria: Ambry Variant Classification Scheme 2023. Collection method: clinical testing. Allele origin: germline.
Comment: The p.F264L variant (also known as c.792C>A), located in coding exon 6 of the PTCH1 gene, results from a C to A substitution at nucleotide position 792. The phenylalanine at codon 264 is replaced by leucine, an amino acid with highly similar properties. This amino acid position is conserved. In addition, this alteration is predicted to be tolerated by in silico analysis. Since supporting evidence is limited at this time, the clinical significance of this alteration remains unclear.

NM_000264.5(PTCH1):c.792C>A (p.Phe264Leu)

Gene: PTCH1 (patched 1; minus strand). Cytogenetic location: 9q22.32.
Variant type: single nucleotide variant.
Coding change: c.792C>A on transcript NM_000264.5 (MANE Select); coding-DNA position 792, C replaced by A.
Protein change: p.Phe264Leu; replaces phenylalanine 264 with leucine.
Molecular consequence: missense variant. On other transcripts: non-coding transcript variant (1).
Genome position (GRCh38, 1-based): chr9:95,480,543, G>T on the plus strand (C>A on the coding strand, the complement: PTCH1 is on the minus strand). VCF-style: chr9-95480543-G-T. GRCh37 (hg19) VCF-style: chr9-98242825-G-T.
Other names: c.594C>A, p.Phe198Leu (NM_001083602.3); c.789C>A, p.Phe263Leu (NM_001083603.3); c.339C>A, p.Phe113Leu (NM_001083604.3, NM_001083605.3, NM_001083606.3 and 1 more transcripts); c.792C>A, p.Phe264Leu (NM_001354918.2); short protein forms F113L, F198L, F263L, F264L.
Identifiers: ClinVar variation 3231058 (VCV003231058.1), dbSNP rs2118425622, ClinGen allele CA374114361.